The following is an entry in ClinVar:

ClinVar aggregate classification (germline): Pathogenic (1 of 4 stars; one submission).

Conditions:
Primary ciliary dyskinesia 3. Identifiers: Orphanet 244, MedGen C1837618, MONDO:0012085, OMIM 608644.

Submission:

Myriad Genetics, Inc.
Classification: Pathogenic for Primary ciliary dyskinesia 3. Last evaluated: 2024-07-03. Review status: criteria provided, single submitter. Criteria: Myriad Autosomal Dominant, Autosomal Recessive and X-Linked Classification Criteria (2023). Collection method: clinical testing. Allele origin: unknown.
Comment: NM_001369.2(DNAH5):c.2218C>T(Q740*) is expected to be pathogenic in the context of primary ciliary dyskinesia, DNAH5-related. This variant is predicted to lead to an abnormal or absent protein product due to the creation of a premature termination codon in DNAH5, a gene where loss-of-function variants are known to be pathogenic. Please note: this variant was assessed in the context of healthy population screening.

NM_001369.3(DNAH5):c.2218C>T (p.Gln740Ter)

Genes: DNAH5 (dynein axonemal heavy chain 5; minus strand), DNAH5-AS1 (DNAH5 antisense RNA 1; plus strand). Cytogenetic location: 5p15.2.
Variant type: single nucleotide variant.
Coding change: c.2218C>T on transcript NM_001369.3 (MANE Select); coding-DNA position 2218, C replaced by T.
Protein change: p.Gln740Ter; replaces glutamine 740 with a stop codon.
Molecular consequence: nonsense. On other transcripts: non-coding transcript variant (1).
Genome position (GRCh38, 1-based): chr5:13,900,247, G>A on the plus strand (C>T on the coding strand, the complement: DNAH5 is on the minus strand). VCF-style: chr5-13900247-G-A. GRCh37 (hg19) VCF-style: chr5-13900356-G-A.
Other names: short protein forms Q740*.
Identifiers: ClinVar variation 5013272 (VCV005013272.1).